The following is an entry in ClinVar:

NM_014989.7(RIMS1):c.2241T>C (p.Ser747=)

Gene: RIMS1 (regulating synaptic membrane exocytosis 1; plus strand). Cytogenetic location: 6q13.
Variant type: single nucleotide variant.
Coding change: c.2241T>C on transcript NM_014989.7 (MANE Select); coding-DNA position 2241, T replaced by C.
Protein change: p.Ser747=; no amino-acid change (serine 747 retained).
Molecular consequence: synonymous variant.
Genome position (GRCh38, 1-based): chr6:72,248,127, T>C. VCF-style: chr6-72248127-T-C. GRCh37 (hg19) VCF-style: chr6-72957830-T-C.
Other names: c.663T>C, p.Ser221= (NM_001168407.2, NM_001168408.2, NM_001350414.2 and 37 more transcripts); c.420T>C, p.Ser140= (NM_001168409.2, NM_001350461.2, NM_001350463.2 and 6 more transcripts); c.618T>C, p.Ser206= (NM_001168410.2, NM_001350470.2, NM_001350472.2 and 2 more transcripts); c.594T>C, p.Ser198= (NM_001350421.2, NM_001350424.2, NM_001350428.2 and 6 more transcripts).
Identifiers: ClinVar variation 357843 (VCV000357843.16), dbSNP rs760492397, ClinGen allele CA3885925.
Genomic context (GRCh38, chr6:72,248,127, plus strand): 5'-TTCTCCAACAAGTCCTGGAGCTCTAAAAGATGCCCCACAAGTCTTACCAGGGCAACTTTC[T>C]GTATGTATTTTTTGTACATGTTGGAGGCTGTTAGTATTTGCATACACTGTCTGAGTCTGT-3'
Protein context (NP_055804.2, residues 737-757): DAPQVLPGQL[Ser747=]VKLWYDKVGH

ClinVar aggregate classification (germline): Conflicting classifications of pathogenicity. Review status: criteria provided, conflicting classifications (1 of 4 stars). 4 submissions from 4 submitters: Uncertain significance (2); Likely benign (1). 1 of the submissions does not count toward it. Last evaluated 2024-10-16.

Conditions:
Cone-rod dystrophy 7 (CORD7). Identifiers: Orphanet 1872, MedGen C1863634, MONDO:0011355, OMIM 603649.
RIMS1-related disorder. Also called: RIMS1-related condition.

Allele frequency attached by ClinVar (database versions not stated): ExAC 0.00001; gnomAD 0.00001; gnomAD exomes 0.00001 and 0.00002; TOPMed 0.00003.
gnomAD v4.1: 23 of 1,594,902 alleles (0.0014%); highest among the groups gnomAD compares: Middle Eastern, 0.099%; no homozygotes.

Submissions (4):

Labcorp Genetics (formerly Invitae), Labcorp
Classification: Uncertain significance. Last evaluated: 2024-10-16. Review status: criteria provided, single submitter. Criteria: Invitae Variant Classification Sherloc (09022015). Collection method: clinical testing. Allele origin: germline.
Comment: This sequence change affects codon 747 of the RIMS1 mRNA. It is a 'silent' change, meaning that it does not change the encoded amino acid sequence of the RIMS1 protein. It affects a nucleotide within the consensus splice site. This variant is present in population databases (rs760492397, gnomAD 0.003%). This variant has not been reported in the literature in individuals affected with RIMS1-related conditions. ClinVar contains an entry for this variant (Variation ID: 357843). Algorithms developed to predict the effect of sequence changes on RNA splicing suggest that this variant is not likely to affect RNA splicing. In summary, the available evidence is currently insufficient to determine the role of this variant in disease. Therefore, it has been classified as a Variant of Uncertain Significance.

Blueprint Genetics
Classification: Likely benign. Last evaluated: 2023-11-28. Review status: criteria provided, single submitter. Criteria: ACMG Guidelines, 2015. Collection method: clinical testing. Allele origin: germline.

Illumina Laboratory Services, Illumina
Classification: Uncertain significance for Cone-rod dystrophy 7. Last evaluated: 2018-01-13. Review status: criteria provided, single submitter. Criteria: ICSL Variant Classification Criteria 13 December 2019. Collection method: clinical testing. Allele origin: germline.

PreventionGenetics, part of Exact Sciences
Classification: Likely benign for RIMS1-related condition. Last evaluated: 2019-07-03. Review status: no assertion criteria provided. Collection method: clinical testing. Allele origin: germline. Not counted in ClinVar's aggregate classification.
Comment: This variant is classified as likely benign based on ACMG/AMP sequence variant interpretation guidelines (Richards et al. 2015 PMID: 25741868, with internal and published modifications).